The following is an entry in ClinVar:

ClinVar aggregate classification (germline): Uncertain significance (1 of 4 stars; one submission).

gnomAD v4.1: 1 of 1,211,853 alleles (0.000083%); highest among the groups gnomAD compares: Non-Finnish European, 0.00011%; no homozygotes.

Submission:

Labcorp Genetics (formerly Invitae), Labcorp
Classification: Uncertain significance. Last evaluated: 2025-08-05. Review status: criteria provided, single submitter. Criteria: Invitae Variant Classification Sherloc (09022015). Collection method: clinical testing. Allele origin: germline.
Comment: This sequence change replaces threonine, which is neutral and polar, with alanine, which is neutral and non-polar, at codon 1497 of the USP9X protein (p.Thr1497Ala). This variant is present in population databases (rs758226899, gnomAD 0.001%), including at least one homozygous and/or hemizygous individual. This variant has not been reported in the literature in individuals affected with USP9X-related conditions. ClinVar contains an entry for this variant (Variation ID: 3678171). An algorithm developed to predict the effect of missense changes on protein structure and function (PolyPhen-2) suggests that this variant is likely to be tolerated. In summary, the available evidence is currently insufficient to determine the role of this variant in disease. Therefore, it has been classified as a Variant of Uncertain Significance.

NM_001039591.3(USP9X):c.4489A>G (p.Thr1497Ala)

Gene: USP9X (ubiquitin specific peptidase 9 X-linked; plus strand). Cytogenetic location: Xp11.4.
Variant type: single nucleotide variant.
Coding change: c.4489A>G on transcript NM_001039591.3 (MANE Select); coding-DNA position 4489, A replaced by G.
Protein change: p.Thr1497Ala; replaces threonine 1497 with alanine.
Molecular consequence: missense variant.
Genome position (GRCh38, 1-based): chrX:41,198,636, A>G. VCF-style: chrX-41198636-A-G. GRCh37 (hg19) VCF-style: chrX-41057889-A-G.
Other names: c.4489A>G, p.Thr1497Ala (NM_001039590.3); c.4504A>G, p.Thr1502Ala (NM_001410748.1, NM_001410749.1); short protein forms T1502A, T1497A.
Identifiers: ClinVar variation 3678171 (VCV003678171.2).